The following is an entry in ClinVar:

ClinVar aggregate classification (germline): Uncertain significance (1 of 4 stars; one submission).

Allele frequency attached by ClinVar (database versions not stated): gnomAD exomes below 0.00001 and 0.00002; ExAC 0.00001; gnomAD 0.00001; TOPMed 0.00001.
gnomAD v4.1: 9 of 1,613,768 alleles (0.00056%); highest among the groups gnomAD compares: Admixed American, 0.005%; no homozygotes.

Submission:

Labcorp Genetics (formerly Invitae), Labcorp
Classification: Uncertain significance. Last evaluated: 2024-12-02. Review status: criteria provided, single submitter. Criteria: Invitae Variant Classification Sherloc (09022015). Collection method: clinical testing. Allele origin: germline.
Comment: This sequence change replaces histidine, which is basic and polar, with tyrosine, which is neutral and polar, at codon 739 of the ANK3 protein (p.His739Tyr). This variant is present in population databases (rs769810351, gnomAD 0.009%). This variant has not been reported in the literature in individuals affected with ANK3-related conditions. ClinVar contains an entry for this variant (Variation ID: 1425124). Invitae Evidence Modeling of protein sequence and biophysical properties (such as structural, functional, and spatial information, amino acid conservation, physicochemical variation, residue mobility, and thermodynamic stability) indicates that this missense variant is not expected to disrupt ANK3 protein function with a negative predictive value of 80%. In summary, the available evidence is currently insufficient to determine the role of this variant in disease. Therefore, it has been classified as a Variant of Uncertain Significance.

NM_020987.5(ANK3):c.2215C>T (p.His739Tyr)

Gene: ANK3 (ankyrin 3; minus strand). Cytogenetic location: 10q21.2.
Variant type: single nucleotide variant.
Coding change: c.2215C>T on transcript NM_020987.5 (MANE Select); coding-DNA position 2215, C replaced by T.
Protein change: p.His739Tyr; replaces histidine 739 with tyrosine.
Molecular consequence: missense variant.
Genome position (GRCh38, 1-based): chr10:60,173,156, G>A on the plus strand (C>T on the coding strand, the complement: ANK3 is on the minus strand). VCF-style: chr10-60173156-G-A. GRCh37 (hg19) VCF-style: chr10-61932914-G-A.
Other names: c.2197C>T, p.His733Tyr (NM_001204403.2); c.2164C>T, p.His722Tyr (NM_001204404.2); c.2215C>T, p.His739Tyr (NM_001320874.2); short protein forms H722Y, H739Y, H733Y.
Identifiers: ClinVar variation 1425124 (VCV001425124.7), dbSNP rs769810351, ClinGen allele CA5512886.